The following is an entry in ClinVar:

NM_001886.3(CRYBA4):c.464C>T (p.Pro155Leu)

Gene: CRYBA4 (crystallin beta A4; plus strand). Cytogenetic location: 22q12.1.
Variant type: single nucleotide variant.
Coding change: c.464C>T on transcript NM_001886.3 (MANE Select); coding-DNA position 464, C replaced by T.
Protein change: p.Pro155Leu; replaces proline 155 with leucine.
Molecular consequence: missense variant.
Genome position (GRCh38, 1-based): chr22:26,630,360, C>T. VCF-style: chr22-26630360-C-T. GRCh37 (hg19) VCF-style: chr22-27026324-C-T.
Other names: short protein forms P155L.
Identifiers: ClinVar variation 947630 (VCV000947630.13), dbSNP rs780358100, ClinGen allele CA10165840.
Genomic context (GRCh38, chr22:26,630,360, plus strand): 5'-TGTCTCTGTAGAGTAACTGTCTGCCTTTTCTCTTTTCCAGCTGGGTTTGCTCCCAGTTTC[C>T]GGGCTACCGAGGATTTCAGTATGTGCTGGAATGCGATCACCATTCCGGTGACTACAAACA-3'
Protein context (NP_001877.1, residues 145-165): HSGAWVCSQF[Pro155Leu]GYRGFQYVLE

ClinVar aggregate classification (germline): Uncertain significance. Review status: criteria provided, single submitter (1 of 4 stars). 3 submissions from 3 submitters: Uncertain significance (1). 2 of the submissions do not count toward it. Last evaluated 2019-06-19.

Conditions:
Cataract 23 (CTRCT23). Also called: CATARACT 23, LAMELLAR; Cataract 23, multiple types. Identifiers: Orphanet 91492, MedGen C3808012, MONDO:0012489, OMIM 610425.

Allele frequency attached by ClinVar (database versions not stated): gnomAD exomes below 0.00001 and 0.00001; TOPMed below 0.00001; ExAC 0.00001; gnomAD 0.00001.
gnomAD v4.1: 10 of 1,614,100 alleles (0.00062%); highest among the groups gnomAD compares: African/African-American, 0.0027%; no homozygotes.

Submissions (3):

Labcorp Genetics (formerly Invitae), Labcorp
Classification: Uncertain significance for Cataract 23. Last evaluated: 2019-06-19. Review status: criteria provided, single submitter. Criteria: Invitae Variant Classification Sherloc (09022015). Collection method: clinical testing. Allele origin: germline.
Comment: In summary, the available evidence is currently insufficient to determine the role of this variant in disease. Therefore, it has been classified as a Variant of Uncertain Significance. Algorithms developed to predict the effect of missense changes on protein structure and function (SIFT, PolyPhen-2, Align-GVGD) all suggest that this variant is likely to be disruptive, but these predictions have not been confirmed by published functional studies and their clinical significance is uncertain. This variant has not been reported in the literature in individuals with CRYBA4-related conditions. This variant is present in population databases (rs780358100, ExAC 0.01%). This sequence change replaces proline with leucine at codon 155 of the CRYBA4 protein (p.Pro155Leu). The proline residue is highly conserved and there is a moderate physicochemical difference between proline and leucine.

Clinical Genetics DNA and cytogenetics Diagnostics Lab, Erasmus MC, Erasmus Medical Center
Classification: Uncertain significance. Review status: no assertion criteria provided. Collection method: clinical testing. Allele origin: germline. Affected: yes. Study: VKGL Data-share Consensus. Not counted in ClinVar's aggregate classification.

Joint Genome Diagnostic Labs from Nijmegen and Maastricht, Radboudumc and MUMC+
Classification: Uncertain significance. Review status: no assertion criteria provided. Collection method: clinical testing. Allele origin: germline. Affected: yes. Study: VKGL Data-share Consensus. Not counted in ClinVar's aggregate classification.